The following is an entry in ClinVar:

ClinVar aggregate classification (germline): Conflicting classifications of pathogenicity. Review status: criteria provided, conflicting classifications (1 of 4 stars). 2 submissions from 2 submitters: Uncertain significance (1); Likely benign (1). Last evaluated 2025-01-29.

Conditions:
Hereditary cancer-predisposing syndrome. Also called: Hereditary neoplastic syndrome; Neoplastic Syndromes, Hereditary; Tumor predisposition; Hereditary Cancer Syndrome. Identifiers: Orphanet 140162, MedGen C0027672, MeSH D009386, MONDO:0015356.
Ataxia-telangiectasia syndrome (AT). Also called: LOUIS-BAR SYNDROME; Cerebello-oculocutaneous telangiectasia; Immunodeficiency with ataxia telangiectasia; AT, COMPLEMENTATION GROUP C; Ataxia-telangiectasia, complementation group D; ATAXIA-TELANGIECTASIA, COMPLEMENTATION GROUP A. Identifiers: Orphanet 100, MedGen C0004135, MONDO:0008840, OMIM 208900.

Allele frequency attached by ClinVar (database versions not stated): gnomAD exomes below 0.00001.
gnomAD v4.1: 3 of 1,613,938 alleles (0.00019%); highest among the groups gnomAD compares: Non-Finnish European, 0.00025%; no homozygotes.

Submissions (2):

Labcorp Genetics (formerly Invitae), Labcorp
Classification: Uncertain significance for Ataxia-telangiectasia syndrome. Last evaluated: 2025-01-29. Review status: criteria provided, single submitter. Criteria: Invitae Variant Classification Sherloc (09022015). Collection method: clinical testing. Allele origin: germline.
Comment: This sequence change replaces valine, which is neutral and non-polar, with methionine, which is neutral and non-polar, at codon 1629 of the ATM protein (p.Val1629Met). This variant is not present in population databases (gnomAD no frequency). This variant has not been reported in the literature in individuals affected with ATM-related conditions. ClinVar contains an entry for this variant (Variation ID: 481293). Invitae Evidence Modeling of protein sequence and biophysical properties (such as structural, functional, and spatial information, amino acid conservation, physicochemical variation, residue mobility, and thermodynamic stability) indicates that this missense variant is not expected to disrupt ATM protein function with a negative predictive value of 95%. In summary, the available evidence is currently insufficient to determine the role of this variant in disease. Therefore, it has been classified as a Variant of Uncertain Significance.

Ambry Genetics
Classification: Likely benign for Hereditary cancer-predisposing syndrome. Last evaluated: 2016-10-13. Review status: criteria provided, single submitter. Criteria: Ambry Variant Classification Scheme 2023. Collection method: clinical testing. Allele origin: germline.

NM_000051.4(ATM):c.4885G>A (p.Val1629Met)

Gene: ATM (ATM serine/threonine kinase; plus strand). Cytogenetic location: 11q22.3.
Variant type: single nucleotide variant.
Coding change: c.4885G>A on transcript NM_000051.4 (MANE Select); coding-DNA position 4885, G replaced by A.
Protein change: p.Val1629Met; replaces valine 1629 with methionine.
Molecular consequence: missense variant.
Genome position (GRCh38, 1-based): chr11:108,295,035, G>A. VCF-style: chr11-108295035-G-A. GRCh37 (hg19) VCF-style: chr11-108165762-G-A.
Other names: c.4885G>A, p.Val1629Met (NM_001351834.2); short protein forms V1629M.
Identifiers: ClinVar variation 481293 (VCV000481293.13), dbSNP rs876660748, ClinGen allele CA382537189.
Genomic context (GRCh38, chr11:108,295,035, plus strand): 5'-ACAAGACTTGAAGGACTAAAGGATCTTCGAAGACAACTGGAACTACATAAAGATCAGATG[G>A]TGGACATTATGAGAGCTTCTCAGGGTGCTAATTTTAAATGACATGGGCTATTTCTACCTG-3'
Protein context (NP_000042.3, residues 1619-1639): RQLELHKDQM[Val1629Met]DIMRASQDNP